The following is an entry in ClinVar:

NM_001378452.1(ITPR1):c.3660G>A (p.Ala1220=)

Gene: ITPR1 (inositol 1,4,5-trisphosphate receptor type 1; plus strand). Cytogenetic location: 3p26.1.
Variant type: single nucleotide variant.
Coding change: c.3660G>A on transcript NM_001378452.1 (MANE Select); coding-DNA position 3660, G replaced by A.
Protein change: p.Ala1220=; no amino-acid change (alanine 1220 retained).
Molecular consequence: synonymous variant.
Genome position (GRCh38, 1-based): chr3:4,685,164, G>A. VCF-style: chr3-4685164-G-A. GRCh37 (hg19) VCF-style: chr3-4726848-G-A.
Other names: p.Ala1196=; c.3588G>A (NM_002222.6); c.3633G>A, p.Ala1211= (NM_001099952.4); c.3615G>A, p.Ala1205= (NM_001168272.2); c.3588G>A, p.Ala1196= (NM_002222.7).
Identifiers: ClinVar variation 711199 (VCV000711199.53), dbSNP rs199960483, ClinGen allele CA2231764.

ClinVar aggregate classification (germline): Benign/Likely benign. Review status: criteria provided, multiple submitters, no conflicts (2 of 4 stars). 8 submissions from 8 submitters: Benign (3); Likely benign (5). Last evaluated 2026-09-01.

Conditions:
Autosomal dominant cerebellar ataxia. Also called: Spinocerebellar Ataxia, Dominant. Identifiers: Orphanet 99, MedGen C4087347, MONDO:0020380.

Allele frequency attached by ClinVar (database versions not stated): 1000 Genomes Project 30x 0.00016; gnomAD 0.00063 and 0.00072; TOPMed 0.00071; gnomAD exomes 0.00108; ExAC 0.00111; ESP Exome Variant Server 0.00127.
gnomAD v4.1: 2,113 of 1,606,868 alleles (0.13%); highest among the groups gnomAD compares: South Asian, 0.23%; 9 homozygotes.

Submissions (8):

CeGaT Center for Human Genetics Tuebingen
Classification: Likely benign. Last evaluated: 2026-09-01. Review status: criteria provided, single submitter. Criteria: CeGaT Center For Human Genetics Tuebingen Variant Classification Criteria Version 2. Collection method: clinical testing. Allele origin: germline. Affected: yes. Observed: 12 variant alleles.
Comment: ITPR1: BP4, BP7

Labcorp Genetics (formerly Invitae), Labcorp
Classification: Likely benign. Last evaluated: 2025-09-20. Review status: criteria provided, single submitter. Criteria: Invitae Variant Classification Sherloc (09022015). Collection method: clinical testing. Allele origin: germline.

Blueprint Genetics
Classification: Likely benign. Last evaluated: 2024-10-18. Review status: criteria provided, single submitter. Criteria: ACMG Guidelines, 2015. Collection method: clinical testing. Allele origin: germline.

Athena Diagnostics
Classification: Benign. Last evaluated: 2024-07-30. Review status: criteria provided, single submitter. Criteria: Athena Diagnostics Criteria. Collection method: clinical testing. Allele origin: unknown.

Mayo Clinic Laboratories, Mayo Clinic
Classification: Benign. Last evaluated: 2023-12-21. Review status: criteria provided, single submitter. Criteria: ACMG Guidelines, 2015. Collection method: clinical testing. Allele origin: germline. Observed: 3 variant alleles.
Comment: BA1, BS2, BP4, BP7

GeneDx
Classification: Likely benign. Last evaluated: 2020-07-08. Review status: criteria provided, single submitter. Criteria: GeneDx Variant Classification Process June 2021. Collection method: clinical testing. Allele origin: germline. Affected: yes.

Illumina Laboratory Services, Illumina
Classification: Benign for Spinocerebellar Ataxia, Dominant. Last evaluated: 2018-01-13. Review status: criteria provided, single submitter. Criteria: ICSL Variant Classification Criteria 13 December 2019. Collection method: clinical testing. Allele origin: germline.
Comment: This variant was observed in the ICSL laboratory as part of a predisposition screen in an ostensibly healthy population. It had not been previously curated by ICSL or reported in the Human Gene Mutation Database (HGMD: prior to June 1st, 2018), and was therefore a candidate for classification through an automated scoring system. Utilizing variant allele frequency, disease prevalence and penetrance estimates, and inheritance mode, an automated score was calculated to assess if this variant is too frequent to cause the disease. Based on the score and internal cut-off values, a variant classified as benign is not then subjected to further curation. The score for this variant resulted in a classification of benign for this disease.

Breakthrough Genomics
Classification: Likely benign. Review status: criteria provided, single submitter. Criteria: ACMG Guidelines, 2015. Collection method: not provided. Allele origin: germline. Inheritance: Autosomal dominant inheritance. Affected: yes.